The following is an entry in ClinVar:

ClinVar aggregate classification (germline): Uncertain significance (1 of 4 stars; one submission).

Conditions:
Cardiovascular phenotype. Identifiers: MedGen CN230736.

Submission:

Ambry Genetics
Classification: Uncertain significance for Cardiovascular phenotype. Last evaluated: 2020-06-09. Review status: criteria provided, single submitter. Criteria: Ambry Variant Classification Scheme 2023. Collection method: clinical testing. Allele origin: germline.
Comment: The p.L246P variant (also known as c.737T>C), located in coding exon 5 of the PRKAG2 gene, results from a T to C substitution at nucleotide position 737. The leucine at codon 246 is replaced by proline, an amino acid with similar properties. This amino acid position is not well conserved in available vertebrate species. In addition, the in silico prediction for this alteration is inconclusive. Since supporting evidence is limited at this time, the clinical significance of this alteration remains unclear.

NM_016203.4(PRKAG2):c.737T>C (p.Leu246Pro)

Genes: PRKAG2 (protein kinase AMP-activated non-catalytic subunit gamma 2; minus strand), LOC129999660 (ATAC-STARR-seq lymphoblastoid silent region 18823; plus strand). Cytogenetic location: 7q36.1.
Variant type: single nucleotide variant.
Coding change: c.737T>C on transcript NM_016203.4 (MANE Select); coding-DNA position 737, T replaced by C.
Protein change: p.Leu246Pro; replaces leucine 246 with proline.
Molecular consequence: missense variant.
Genome position (GRCh38, 1-based): chr7:151,632,086, A>G on the plus strand (T>C on the coding strand, the complement: PRKAG2 is on the minus strand). VCF-style: chr7-151632086-A-G. GRCh37 (hg19) VCF-style: chr7-151329172-A-G.
Other names: c.605T>C, p.Leu202Pro (NM_001040633.2, NM_001407024.1, NM_001407026.1 and 1 more transcripts); c.365T>C, p.Leu122Pro (NM_001304527.2, NM_001363698.2, NM_001407028.1 and 1 more transcripts); c.14T>C, p.Leu5Pro (NM_001304531.2, NM_001407034.1, NM_001407035.1 and 4 more transcripts); c.737T>C, p.Leu246Pro (NM_001407021.1, NM_001407022.1, NM_001407023.1); c.419T>C, p.Leu140Pro (NM_001407032.1); c.413T>C, p.Leu138Pro (NM_001407033.1); c.65T>C, p.Leu22Pro (NM_001407038.1); short protein forms L5P, L140P, L246P, L122P, L138P, L202P, L22P.
Identifiers: ClinVar variation 1758611 (VCV001758611.2), dbSNP rs2536958106, ClinGen allele CA370071192.